The following is an entry in ClinVar:

ClinVar aggregate classification (germline): Uncertain significance (1 of 4 stars; one submission).

Conditions:
Arrhythmogenic right ventricular dysplasia 10. Also called: Arrhythmogenic Right Ventricular Dysplasia/Cardiomyopathy10; ARRHYTHMOGENIC RIGHT VENTRICULAR DYSPLASIA, FAMILIAL, 10; Arrhythmogenic right ventricular dysplasia/cardiomyopathy, type 10. Identifiers: MedGen C1857777, MONDO:0012434, OMIM 610193.

Submission:

Labcorp Genetics (formerly Invitae), Labcorp
Classification: Uncertain significance for Arrhythmogenic right ventricular dysplasia 10. Last evaluated: 2023-10-22. Review status: criteria provided, single submitter. Criteria: Invitae Variant Classification Sherloc (09022015). Collection method: clinical testing. Allele origin: germline.
Comment: This sequence change replaces serine, which is neutral and polar, with arginine, which is basic and polar, at codon 366 of the DSG2 protein (p.Ser366Arg). This variant is not present in population databases (gnomAD no frequency). This variant has not been reported in the literature in individuals affected with DSG2-related conditions. ClinVar contains an entry for this variant (Variation ID: 2055728). Advanced modeling of protein sequence and biophysical properties (such as structural, functional, and spatial information, amino acid conservation, physicochemical variation, residue mobility, and thermodynamic stability) performed at Invitae indicates that this missense variant is not expected to disrupt DSG2 protein function. In summary, the available evidence is currently insufficient to determine the role of this variant in disease. Therefore, it has been classified as a Variant of Uncertain Significance.

NM_001943.5(DSG2):c.1098T>G (p.Ser366Arg)

Gene: DSG2 (desmoglein 2; plus strand). Cytogenetic location: 18q12.1.
Variant type: single nucleotide variant.
Coding change: c.1098T>G on transcript NM_001943.5 (MANE Select); coding-DNA position 1098, T replaced by G.
Protein change: p.Ser366Arg; replaces serine 366 with arginine.
Molecular consequence: missense variant.
Genome position (GRCh38, 1-based): chr18:31,531,070, T>G. VCF-style: chr18-31531070-T-G. GRCh37 (hg19) VCF-style: chr18-29111033-T-G.
Other names: short protein forms S366R.
Identifiers: ClinVar variation 2055728 (VCV002055728.4), dbSNP rs2510915317, ClinGen allele CA402138465.